The following is an entry in ClinVar:

ClinVar aggregate classification (germline): Conflicting classifications of pathogenicity. Review status: criteria provided, conflicting classifications (1 of 4 stars). 2 submissions from 2 submitters: Uncertain significance (1); Likely benign (1). Last evaluated 2026-02-03.

Conditions:
Hereditary cancer-predisposing syndrome. Also called: Neoplastic Syndromes, Hereditary; Tumor predisposition; Hereditary Cancer Syndrome; Hereditary neoplastic syndrome. Identifiers: Orphanet 140162, MedGen C0027672, MeSH D009386, MONDO:0015356.

Allele frequency attached by ClinVar (database versions not stated): ExAC 0.00001; gnomAD 0.00001; gnomAD exomes 0.00001 and 0.00002; TOPMed 0.00004.
gnomAD v4.1: 22 of 1,613,606 alleles (0.0014%); highest among the groups gnomAD compares: African/African-American, 0.0067%; no homozygotes.

Submissions (2):

Labcorp Genetics (formerly Invitae), Labcorp
Classification: Uncertain significance. Last evaluated: 2026-02-03. Review status: criteria provided, single submitter. Criteria: Invitae Variant Classification Sherloc (09022015). Collection method: clinical testing. Allele origin: germline.
Comment: This sequence change replaces valine, which is neutral and non-polar, with isoleucine, which is neutral and non-polar, at codon 671 of the MSH3 protein (p.Val671Ile). This variant is present in population databases (rs750261457, gnomAD 0.007%). This variant has not been reported in the literature in individuals affected with MSH3-related conditions. ClinVar contains an entry for this variant (Variation ID: 654190). An algorithm developed to predict the effect of missense changes on protein structure and function outputs the following: PolyPhen-2: "Benign". The isoleucine amino acid residue is found in multiple mammalian species, which suggests that this missense change does not adversely affect protein function. In summary, the available evidence is currently insufficient to determine the role of this variant in disease. Therefore, it has been classified as a Variant of Uncertain Significance.

Ambry Genetics
Classification: Likely benign for Hereditary cancer-predisposing syndrome. Last evaluated: 2024-10-21. Review status: criteria provided, single submitter. Criteria: Ambry Variant Classification Scheme 2023. Collection method: clinical testing. Allele origin: germline.

NM_002439.5(MSH3):c.2011G>A (p.Val671Ile)

Gene: MSH3 (mutS homolog 3; plus strand). Cytogenetic location: 5q14.1.
Variant type: single nucleotide variant.
Coding change: c.2011G>A on transcript NM_002439.5 (MANE Select); coding-DNA position 2011, G replaced by A.
Protein change: p.Val671Ile; replaces valine 671 with isoleucine.
Molecular consequence: missense variant.
Genome position (GRCh38, 1-based): chr5:80,768,047, G>A. VCF-style: chr5-80768047-G-A. GRCh37 (hg19) VCF-style: chr5-80063866-G-A.
Other names: short protein forms V671I.
Identifiers: ClinVar variation 654190 (VCV000654190.12), dbSNP rs750261457, ClinGen allele CA3328113.